The following is an entry in ClinVar:

ClinVar aggregate classification (germline): Likely benign (0 of 4 stars; one submission).

Conditions:
RREB1-related disorder. Also called: RREB1-related condition.

Allele frequency attached by ClinVar (database versions not stated): ExAC 0.00007; 1000 Genomes Project 30x 0.00016; TOPMed 0.00038.
gnomAD v4.1: 43 of 1,554,908 alleles (0.0028%); highest among the groups gnomAD compares: Admixed American, 0.065%; no homozygotes.

Submission:

PreventionGenetics, part of Exact Sciences
Classification: Likely benign for RREB1-related condition. Last evaluated: 2019-06-19. Review status: no assertion criteria provided. Collection method: clinical testing. Allele origin: germline.
Comment: This variant is classified as likely benign based on ACMG/AMP sequence variant interpretation guidelines (Richards et al. 2015 PMID: 25741868, with internal and published modifications).

NM_001003699.4(RREB1):c.4476C>G (p.Pro1492=)

Gene: RREB1 (ras responsive element binding protein 1; plus strand). Cytogenetic location: 6p24.3.
Variant type: single nucleotide variant.
Coding change: c.4476C>G on transcript NM_001003699.4 (MANE Select); coding-DNA position 4476, C replaced by G.
Protein change: p.Pro1492=; no amino-acid change (proline 1492 retained).
Molecular consequence: synonymous variant. On other transcripts: intron variant (1).
Genome position (GRCh38, 1-based): chr6:7,246,926, C>G. VCF-style: chr6-7246926-C-G. GRCh37 (hg19) VCF-style: chr6-7247159-C-G.
Other names: c.4311C>G, p.Pro1437= (NM_001003698.4, NM_001168344.2); c.3974-1585C>G (NM_001003700.2).
Identifiers: ClinVar variation 3033407 (VCV003033407.2), dbSNP rs752027357, ClinGen allele CA3626465.